The following is an entry in ClinVar:

NM_003748.4(ALDH4A1):c.677T>C (p.Met226Thr)

Gene: ALDH4A1 (aldehyde dehydrogenase 4 family member A1; minus strand). Cytogenetic location: 1p36.13.
Variant type: single nucleotide variant.
Coding change: c.677T>C on transcript NM_003748.4 (MANE Select); coding-DNA position 677, T replaced by C.
Protein change: p.Met226Thr; replaces methionine 226 with threonine.
Molecular consequence: missense variant.
Genome position (GRCh38, 1-based): chr1:18,883,125, A>G on the plus strand (T>C on the coding strand, the complement: ALDH4A1 is on the minus strand). VCF-style: chr1-18883125-A-G. GRCh37 (hg19) VCF-style: chr1-19209619-A-G.
Other names: c.497T>C, p.Met166Thr (NM_001161504.2); c.677T>C, p.Met226Thr (NM_001319218.2, NM_170726.3); short protein forms M226T, M166T.
Identifiers: ClinVar variation 5005422 (VCV005005422.2).

ClinVar aggregate classification (germline): Uncertain significance (1 of 4 stars; one submission).

Conditions:
Hyperprolinemia type 2 (HYRPRO2). Also called: 1-PYRROLINE-5-CARBOXYLATE DEHYDROGENASE DEFICIENCY; Deficiency of pyrroline-5-carboxylate reductase; Delta-1-pyrroline-5-carboxylate dehydrogenase deficiency. Identifiers: Orphanet 79101, MedGen C2931835, MONDO:0009401, OMIM 239510.

gnomAD v4.1: 10 of 1,613,128 alleles (0.00062%); highest among the groups gnomAD compares: East Asian, 0.016%; no homozygotes.

Submission:

Juno Genomics, Hangzhou Juno Genomics, Inc
Classification: Uncertain significance for Hyperprolinemia type 2. Review status: criteria provided, single submitter. Criteria: ACMG Guidelines, 2015. Collection method: clinical testing. Allele origin: germline.
Comment: Absent from controls (or at extremely low frequency if recessive) in Genome Aggregation Database.;Multiple lines of computational evidence support a deleterious effect on the gene or gene product.